The following is an entry in ClinVar:

ClinVar aggregate classification (germline): Conflicting classifications of pathogenicity. Review status: criteria provided, conflicting classifications (1 of 4 stars). 3 submissions from 3 submitters: Uncertain significance (2); Benign (1). Last evaluated 2025-05-15.

Conditions:
Hereditary breast ovarian cancer syndrome. Also called: Hereditary breast and ovarian cancer; Hereditary breast and ovarian cancer syndrome; Breast and ovarian cancer; BRCA1- and BRCA2-Associated Hereditary Breast and Ovarian Cancer; Hereditary breast and/or ovarian cancer syndrome; Hereditary breast and ovarian cancer syndrome (HBOC). Identifiers: Orphanet 145, MedGen C0677776, MeSH D061325, MONDO:0003582. Disease mechanism: loss of function.
Hereditary cancer-predisposing syndrome. Also called: Neoplastic Syndromes, Hereditary; Hereditary Cancer Syndrome; Tumor predisposition; Hereditary neoplastic syndrome. Identifiers: Orphanet 140162, MedGen C0027672, MeSH D009386, MONDO:0015356.

gnomAD v4.1: 1 of 1,613,420 alleles (0.000062%); highest among the groups gnomAD compares: Non-Finnish European, 0.000085%; no homozygotes.

Submissions (3):

Ambry Genetics
Classification: Benign for Hereditary cancer-predisposing syndrome. Last evaluated: 2025-05-15. Review status: criteria provided, single submitter. Criteria: Ambry Variant Classification Scheme 2023. Collection method: clinical testing. Allele origin: germline.

Labcorp Genetics (formerly Invitae), Labcorp
Classification: Uncertain significance for Hereditary breast ovarian cancer syndrome. Last evaluated: 2024-02-23. Review status: criteria provided, single submitter. Criteria: Invitae Variant Classification Sherloc (09022015). Collection method: clinical testing. Allele origin: germline.
Comment: This sequence change replaces glycine, which is neutral and non-polar, with alanine, which is neutral and non-polar, at codon 2919 of the BRCA2 protein (p.Gly2919Ala). This variant is not present in population databases (gnomAD no frequency). This variant has not been reported in the literature in individuals affected with BRCA2-related conditions. ClinVar contains an entry for this variant (Variation ID: 993211). Algorithms developed to predict the effect of missense changes on protein structure and function output the following: SIFT: "Not Available"; PolyPhen-2: "Benign"; Align-GVGD: "Not Available". The alanine amino acid residue is found in multiple mammalian species, which suggests that this missense change does not adversely affect protein function. In summary, the available evidence is currently insufficient to determine the role of this variant in disease. Therefore, it has been classified as a Variant of Uncertain Significance.

Quest Diagnostics Nichols Institute San Juan Capistrano
Classification: Uncertain significance. Last evaluated: 2019-11-30. Review status: criteria provided, single submitter. Criteria: Quest Diagnostics criteria. Collection method: clinical testing. Allele origin: unknown.

NM_000059.4(BRCA2):c.8756G>C (p.Gly2919Ala)

Gene: BRCA2 (BRCA2 DNA repair associated; plus strand). Cytogenetic location: 13q13.1.
Variant type: single nucleotide variant.
Coding change: c.8756G>C on transcript NM_000059.4 (MANE Select); coding-DNA position 8756, G replaced by C.
Protein change: p.Gly2919Ala; replaces glycine 2919 with alanine.
Molecular consequence: missense variant.
Genome position (GRCh38, 1-based): chr13:32,379,318, G>C. VCF-style: chr13-32379318-G-C. GRCh37 (hg19) VCF-style: chr13-32953455-G-C.
Other names: short protein forms G2919A.
Identifiers: ClinVar variation 993211 (VCV000993211.9), dbSNP rs80359131, ClinGen allele CA387755704.